The following is an entry in ClinVar:

ClinVar aggregate classification (germline): Uncertain significance (1 of 4 stars; one submission).

Conditions:
Autosomal recessive ataxia, Beauce type. Also called: Spinocerebellar ataxia, autosomal recessive 8; ATAXIA, RECESSIVE, OF BEAUCE; SYNE1 Deficiency; SYNE1-Related Autosomal Recessive Cerebellar Ataxia. Identifiers: Orphanet 88644, MedGen C1853116, MONDO:0012549, OMIM 610743.
Emery-Dreifuss muscular dystrophy 4, autosomal dominant (EDMD4). Also called: EMERY-DREIFUSS MUSCULAR DYSTROPHY 4 WITH VARIABLE FEATURES. Identifiers: Orphanet 261, MedGen C2751807, MONDO:0013071, OMIM 612998.

Allele frequency attached by ClinVar (database versions not stated): gnomAD exomes below 0.00001.
gnomAD v4.1: 1 of 1,614,184 alleles (0.000062%); highest among the groups gnomAD compares: East Asian, 0.0022%; no homozygotes.

Submission:

Labcorp Genetics (formerly Invitae), Labcorp
Classification: Uncertain significance for Emery-Dreifuss muscular dystrophy 4, autosomal dominant; Autosomal recessive ataxia, Beauce type. Last evaluated: 2018-11-06. Review status: criteria provided, single submitter. Criteria: Invitae Variant Classification Sherloc (09022015). Collection method: clinical testing. Allele origin: germline.
Comment: In summary, the available evidence is currently insufficient to determine the role of this variant in disease. Therefore, it has been classified as a Variant of Uncertain Significance. Algorithms developed to predict the effect of missense changes on protein structure and function (SIFT, PolyPhen-2, Align-GVGD) all suggest that this variant is likely to be disruptive, but these predictions have not been confirmed by published functional studies and their clinical significance is uncertain. This variant has not been reported in the literature in individuals with SYNE1-related disease. This variant is not present in population databases (ExAC no frequency). This sequence change replaces alanine with serine at codon 6606 of the SYNE1 protein (p.Ala6606Ser). The alanine residue is highly conserved and there is a moderate physicochemical difference between alanine and serine.

NM_182961.4(SYNE1):c.20029G>T (p.Ala6677Ser)

Gene: SYNE1 (spectrin repeat containing nuclear envelope protein 1; minus strand). Cytogenetic location: 6q25.2.
Variant type: single nucleotide variant.
Coding change: c.20029G>T on transcript NM_182961.4 (MANE Select); coding-DNA position 20029, G replaced by T.
Protein change: p.Ala6677Ser; replaces alanine 6677 with serine.
Molecular consequence: missense variant.
Genome position (GRCh38, 1-based): chr6:152,239,571, C>A on the plus strand (G>T on the coding strand, the complement: SYNE1 is on the minus strand). VCF-style: chr6-152239571-C-A. GRCh37 (hg19) VCF-style: chr6-152560706-C-A.
Other names: c.19816G>T, p.Ala6606Ser (NM_033071.5); short protein forms A6606S, A6677S.
Identifiers: ClinVar variation 645744 (VCV000645744.8), dbSNP rs1376604930, ClinGen allele CA366126326.
Genomic context (GRCh38, chr6:152,239,571, plus strand): 5'-GATATGACATCAATGGTCTCACCTCTAGAATGTACTCCAGCTCCACACCCCTCTTGTGAG[C>A]CCGTTTCAGTACAGCAGAAGCCTGAGCCATCAGCTCTGTATGGAACTGGGTTTCCTTTTG-3'
Protein context (NP_892006.3, residues 6667-6687): MAQASAVLKR[Ala6677Ser]HKRGVELEYI